The following is an entry in ClinVar:

NM_020297.4(ABCC9):c.2862C>T (p.Asp954=)

Gene: ABCC9 (ATP binding cassette subfamily C member 9; minus strand). Cytogenetic location: 12p12.1.
Variant type: single nucleotide variant.
Coding change: c.2862C>T on transcript NM_020297.4 (MANE Select); coding-DNA position 2862, C replaced by T.
Protein change: p.Asp954=; no amino-acid change (aspartic acid 954 retained).
Molecular consequence: synonymous variant.
Genome position (GRCh38, 1-based): chr12:21,848,154, G>A on the plus strand (C>T on the coding strand, the complement: ABCC9 is on the minus strand). VCF-style: chr12-21848154-G-A. GRCh37 (hg19) VCF-style: chr12-22001088-G-A.
Other names: p.Asp954=; c.2862C>T, p.Asp954= (NM_001377273.1, NM_005691.4); c.1995C>T, p.Asp665= (NM_001377274.1).
Identifiers: ClinVar variation 45407 (VCV000045407.27), dbSNP rs2291550, ClinGen allele CA136268.

ClinVar aggregate classification (germline): Conflicting classifications of pathogenicity. Review status: criteria provided, conflicting classifications (1 of 4 stars). 9 submissions from 8 submitters: Uncertain significance (1); Benign (5); Likely benign (3). Last evaluated 2026-01-27.

Conditions:
Hypertrichotic osteochondrodysplasia Cantu type. Also called: Cantu Syndrome; Cantú Syndrome. Identifiers: Orphanet 1517, MedGen C0795905, MONDO:0009406, OMIM 239850.
Dilated cardiomyopathy 1O (CMD1O). Also called: CARDIOMYOPATHY, DILATED, WITH VENTRICULAR TACHYCARDIA. Identifiers: Orphanet 154, MedGen C1837839, MONDO:0012062, OMIM 608569.

Allele frequency attached by ClinVar (database versions not stated): ESP Exome Variant Server 0.00008; gnomAD 0.00041 and 0.00050; TOPMed 0.00070; 1000 Genomes Project 30x 0.00172; 1000 Genomes Project 0.00180.
gnomAD v4.1: 561 of 1,613,090 alleles (0.035%); highest among the groups gnomAD compares: East Asian, 1.1%; 2 homozygotes.

Submissions (9):

Labcorp Genetics (formerly Invitae), Labcorp
Classification: Benign for Dilated cardiomyopathy 1O. Last evaluated: 2026-01-27. Review status: criteria provided, single submitter. Criteria: Invitae Variant Classification Sherloc (09022015). Collection method: clinical testing. Allele origin: germline.

CeGaT Center for Human Genetics Tuebingen
Classification: Likely benign. Last evaluated: 2026-01-01. Review status: criteria provided, single submitter. Criteria: CeGaT Center For Human Genetics Tuebingen Variant Classification Criteria Version 2. Collection method: clinical testing. Allele origin: germline. Affected: yes. Observed: 1 variant allele.
Comment: ABCC9: BP4, BP7, BS1

Mayo Clinic Laboratories, Mayo Clinic
Classification: Benign. Last evaluated: 2024-10-30. Review status: criteria provided, single submitter. Criteria: ACMG Guidelines, 2015. Collection method: clinical testing. Allele origin: germline. Observed: 1 variant allele.
Comment: BS1, BS2, BP4, BP7

Blueprint Genetics
Classification: Likely benign. Last evaluated: 2024-07-26. Review status: criteria provided, single submitter. Criteria: ACMG Guidelines, 2015. Collection method: clinical testing. Allele origin: germline.

Women's Health and Genetics/Laboratory Corporation of America, LabCorp
Classification: Benign. Last evaluated: 2023-05-15. Review status: criteria provided, single submitter. Criteria: LabCorp Variant Classification Summary - May 2015. Collection method: clinical testing. Allele origin: germline.

GeneDx
Classification: Benign. Last evaluated: 2018-09-14. Review status: criteria provided, single submitter. Criteria: GeneDx Variant Classification Process June 2021. Collection method: clinical testing. Allele origin: germline. Affected: yes.

Illumina Laboratory Services, Illumina
Classification: Likely benign for Hypertrichotic osteochondrodysplasia Cantu type. Last evaluated: 2018-01-12. Review status: criteria provided, single submitter. Criteria: ICSL Variant Classification Criteria 13 December 2019. Collection method: clinical testing. Allele origin: germline.
Comment: This variant was observed in the ICSL laboratory as part of a predisposition screen in an ostensibly healthy population. It had not been previously curated by ICSL or reported in the Human Gene Mutation Database (HGMD: prior to June 1st, 2018), and was therefore a candidate for classification through an automated scoring system. Utilizing variant allele frequency, disease prevalence and penetrance estimates, and inheritance mode, an automated score was calculated to assess if this variant is too frequent to cause the disease. Based on the score and internal cut-off values, a variant classified as likely benign is not then subjected to further curation. The score for this variant resulted in a classification of likely benign for this disease.

Illumina Laboratory Services, Illumina
Classification: Uncertain significance for Dilated cardiomyopathy 1O. Last evaluated: 2018-01-12. Review status: criteria provided, single submitter. Criteria: ICSL Variant Classification Criteria 13 December 2019. Collection method: clinical testing. Allele origin: germline.

Laboratory for Molecular Medicine, Mass General Brigham Personalized Medicine
Classification: Benign. Last evaluated: 2012-11-20. Review status: criteria provided, single submitter. Criteria: LMM Criteria. Collection method: clinical testing. Allele origin: germline. Observed: 4 variant alleles.
Comment: Asp954Asp in exon 23 of ABCC9: This variant is not expected to have clinical sig nificance because it does not alter an amino acid residue, is not located within the splice consensus sequence and has been identified in 1.2% (7/572) of Asian chromosomes from a broad population by the 1000 Genomes project (dbSNP rs2291550 ).